The following is an entry in ClinVar:

ClinVar aggregate classification (germline): Uncertain significance. Review status: criteria provided, multiple submitters, no conflicts (2 of 4 stars). 2 submissions from 2 submitters: Uncertain significance (2). Last evaluated 2025-03-18.

Conditions:
Brown-Vialetto-van Laere syndrome 1. Also called: BROWN-VIALETTO-VAN LAERE SYNDROME 1, MILD; BULBAR PALSY, PROGRESSIVE, WITH SENSORINEURAL DEAFNESS; PONTOBULBAR PALSY WITH DEAFNESS. Identifiers: Orphanet 572550, Orphanet 97229, MedGen C0796274, MONDO:0024537, OMIM 211530.
Inborn genetic diseases. Identifiers: MedGen C0950123, MeSH D030342.

Allele frequency attached by ClinVar (database versions not stated): gnomAD exomes 0.00001; gnomAD 0.00003; TOPMed 0.00002.
gnomAD v4.1: 14 of 1,609,764 alleles (0.00087%); highest among the groups gnomAD compares: African/African-American, 0.0013%; no homozygotes.

Submissions (2):

Ambry Genetics
Classification: Uncertain significance for Inborn genetic diseases. Last evaluated: 2025-03-18. Review status: criteria provided, single submitter. Criteria: Ambry Variant Classification Scheme 2023. Collection method: clinical testing. Allele origin: germline.

Labcorp Genetics (formerly Invitae), Labcorp
Classification: Uncertain significance for Brown-Vialetto-van Laere syndrome 1. Last evaluated: 2022-07-19. Review status: criteria provided, single submitter. Criteria: Invitae Variant Classification Sherloc (09022015). Collection method: clinical testing. Allele origin: germline.
Comment: This sequence change replaces arginine, which is basic and polar, with tryptophan, which is neutral and slightly polar, at codon 455 of the SLC52A3 protein (p.Arg455Trp). The frequency data for this variant in the population databases is considered unreliable, as metrics indicate poor data quality at this position in the gnomAD database. This variant has not been reported in the literature in individuals affected with SLC52A3-related conditions. ClinVar contains an entry for this variant (Variation ID: 476602). Algorithms developed to predict the effect of missense changes on protein structure and function are either unavailable or do not agree on the potential impact of this missense change (SIFT: "Deleterious"; PolyPhen-2: "Possibly Damaging"; Align-GVGD: "Class C0"). In summary, the available evidence is currently insufficient to determine the role of this variant in disease. Therefore, it has been classified as a Variant of Uncertain Significance.

NM_033409.4(SLC52A3):c.1363C>T (p.Arg455Trp)

Gene: SLC52A3 (solute carrier family 52 member 3; minus strand). Cytogenetic location: 20p13.
Variant type: single nucleotide variant.
Coding change: c.1363C>T on transcript NM_033409.4 (MANE Select); coding-DNA position 1363, C replaced by T.
Protein change: p.Arg455Trp; replaces arginine 455 with tryptophan.
Molecular consequence: missense variant.
Genome position (GRCh38, 1-based): chr20:761,073, G>A on the plus strand (C>T on the coding strand, the complement: SLC52A3 is on the minus strand). VCF-style: chr20-761073-G-A. GRCh37 (hg19) VCF-style: chr20-741717-G-A.
Other names: c.1363C>T, p.Arg455Trp (NM_001370085.1, NM_001370086.1); short protein forms R455W.
Identifiers: ClinVar variation 476602 (VCV000476602.7), dbSNP rs939576852, ClinGen allele CA310674010.